The following is an entry in ClinVar:

NM_018026.4(PACS1):c.1027G>A (p.Val343Ile)

Gene: PACS1 (phosphofurin acidic cluster sorting protein 1; plus strand). Cytogenetic location: 11q13.2.
Variant type: single nucleotide variant.
Coding change: c.1027G>A on transcript NM_018026.4 (MANE Select); coding-DNA position 1027, G replaced by A.
Protein change: p.Val343Ile; replaces valine 343 with isoleucine.
Molecular consequence: missense variant.
Genome position (GRCh38, 1-based): chr11:66,219,794, G>A. VCF-style: chr11-66219794-G-A. GRCh37 (hg19) VCF-style: chr11-65987265-G-A.
Other names: c.1027G>A (NM_018026.2); short protein forms V343I.
Identifiers: ClinVar variation 1972210 (VCV001972210.3), dbSNP rs1156306565, ClinGen allele CA381354946.
Genomic context (GRCh38, chr11:66,219,794, plus strand): 5'-TTGTCCCTACAGCAACCTAACATCAAACAGAAGTTTGTGGCCCTCCTGAAGCGGTTTAAA[G>A]TTTCAGATGAGGTATGGCCTCTTACTCCCAAGGTTAATGGTGAGTAGAATTCCCCGGGTT-3'
Protein context (NP_060496.2, residues 333-353): KFVALLKRFK[Val343Ile]SDEVGFGLEH

ClinVar aggregate classification (germline): Uncertain significance. Review status: criteria provided, multiple submitters, no conflicts (2 of 4 stars). 2 submissions from 2 submitters: Uncertain significance (2). Last evaluated 2024-06-17.

Conditions:
Schuurs-Hoeijmakers syndrome. Also called: PACS1-Related Neurodevelopmental Disorder. Identifiers: Orphanet 329224, MedGen C3554343, MONDO:0014006, OMIM 615009.
Inborn genetic diseases. Identifiers: MedGen C0950123, MeSH D030342.

Allele frequency attached by ClinVar (database versions not stated): gnomAD 0.00002; gnomAD exomes 0.00002; TOPMed 0.00001.
gnomAD v4.1: 17 of 1,612,612 alleles (0.0011%); highest among the groups gnomAD compares: Non-Finnish European, 0.0014%; no homozygotes.

Submissions (2):

Ambry Genetics
Classification: Uncertain significance for Inborn genetic diseases. Last evaluated: 2024-06-17. Review status: criteria provided, single submitter. Criteria: Ambry Variant Classification Scheme 2023. Collection method: clinical testing. Allele origin: germline.

Labcorp Genetics (formerly Invitae), Labcorp
Classification: Uncertain significance for Schuurs-Hoeijmakers syndrome. Last evaluated: 2022-02-22. Review status: criteria provided, single submitter. Criteria: Invitae Variant Classification Sherloc (09022015). Collection method: clinical testing. Allele origin: germline.
Comment: This sequence change replaces valine, which is neutral and non-polar, with isoleucine, which is neutral and non-polar, at codon 343 of the PACS1 protein (p.Val343Ile). This variant is not present in population databases (gnomAD no frequency). This variant has not been reported in the literature in individuals affected with PACS1-related conditions. Algorithms developed to predict the effect of missense changes on protein structure and function are either unavailable or do not agree on the potential impact of this missense change (SIFT: "Tolerated"; PolyPhen-2: "Probably Damaging"; Align-GVGD: "Class C0"). In summary, the available evidence is currently insufficient to determine the role of this variant in disease. Therefore, it has been classified as a Variant of Uncertain Significance.